The following is an entry in ClinVar:

ClinVar aggregate classification (germline): Uncertain significance (1 of 4 stars; one submission).

Conditions:
Cardiovascular phenotype. Identifiers: MedGen CN230736.

Allele frequency attached by ClinVar (database versions not stated): ExAC 0.00001.

Submission:

Ambry Genetics
Classification: Uncertain significance for Cardiovascular phenotype. Last evaluated: 2022-06-06. Review status: criteria provided, single submitter. Criteria: Ambry Variant Classification Scheme 2023. Collection method: clinical testing. Allele origin: germline.
Comment: The p.R140L variant (also known as c.419G>T), located in coding exon 2 of the TNXB gene, results from a G to T substitution at nucleotide position 419. The arginine at codon 140 is replaced by leucine, an amino acid with dissimilar properties. This amino acid position is conserved. In addition, the in silico prediction for this alteration is inconclusive. Since supporting evidence is limited at this time, the clinical significance of this alteration remains unclear.

NM_001365276.2(TNXB):c.419G>T (p.Arg140Leu)

Gene: TNXB (tenascin XB; minus strand). Cytogenetic location: 6p21.33.
Variant type: single nucleotide variant.
Coding change: c.419G>T on transcript NM_001365276.2 (MANE Select); coding-DNA position 419, G replaced by T.
Protein change: p.Arg140Leu; replaces arginine 140 with leucine.
Molecular consequence: missense variant.
Genome position (GRCh38, 1-based): chr6:32,097,434, C>A on the plus strand (G>T on the coding strand, the complement: TNXB is on the minus strand). VCF-style: chr6-32097434-C-A. GRCh37 (hg19) VCF-style: chr6-32065211-C-A.
Other names: c.419G>T, p.Arg140Leu (NM_019105.8); short protein forms R140L.
Identifiers: ClinVar variation 1738623 (VCV001738623.2), dbSNP rs758876550, ClinGen allele CA3735848.